The following is an entry in ClinVar:

ClinVar aggregate classification (germline): Likely pathogenic (1 of 4 stars; one submission).

Conditions:
Hyperinsulinemic hypoglycemia, familial, 1 (HHF1). Also called: Persistent hyperinsulinemic hypoglycemia of infancy; HYPERINSULINISM, FAMILIAL, WITH PANCREATIC NESIDIOBLASTOSIS; HYPOGLYCEMIA, HYPERINSULINEMIC, OF INFANCY; NESIDIOBLASTOSIS OF PANCREAS; Persistent Hyperinsulinemia Hypoglycemia of Infancy. Identifiers: Orphanet 276575, Orphanet 276598, MedGen C2931832, MONDO:0009734, OMIM 256450.

Submission:

Myriad Genetics, Inc.
Classification: Likely pathogenic for Hyperinsulinemic hypoglycemia, familial, 1. Last evaluated: 2022-01-02. Review status: criteria provided, single submitter. Criteria: Myriad Women's Health Autosomal Recessive and X-Linked Classification Criteria (2021). Collection method: clinical testing. Allele origin: unknown.
Comment: NM_000352.3(ABCC8):c.992_993delACinsTCTT(N331Ifs*29) is expected to be pathogenic in the context of familial hyperinsulinism, ABCC8-related. This variant is predicted to lead to an abnormal or absent protein product due to the creation of a premature termination codon in ABCC8, a gene where loss-of-function variants are known to be pathogenic. Please note: this variant was assessed in the context of healthy population screening.

NM_000352.6(ABCC8):c.992_993delinsTCTT (p.Asn331fs)

Gene: ABCC8 (ATP binding cassette subfamily C member 8; minus strand). Cytogenetic location: 11p15.1.
Variant type: Indel.
Coding change: c.992_993delinsTCTT on transcript NM_000352.6 (MANE Select); coding-DNA positions 992 to 993, AC replaced by TCTT.
Protein change: p.Asn331fs; shifts the reading frame from asparagine 331.
Molecular consequence: frameshift variant. On other transcripts: non-coding transcript variant (1).
Genome position (GRCh38, 1-based): chr11:17,460,506-17,460,507, GT replaced by AAGA on the plus strand (AC replaced by TCTT on the coding strand, the reverse complement: ABCC8 is on the minus strand). VCF-style: chr11-17460506-GT-AAGA. GRCh37 (hg19) VCF-style: chr11-17482053-GT-AAGA.
Other names: c.992_993delinsTCTT, p.Asn331fs (NM_001287174.3, NM_001351295.2); c.989_990delinsTCTT, p.Asn330fs (NM_001351296.2, NM_001351297.2); short protein forms N330fs, N331fs.
Identifiers: ClinVar variation 1726846 (VCV001726846.2), dbSNP rs2496843903, ClinGen allele CA2580082766.